The following is an entry in ClinVar:

ClinVar aggregate classification (germline): Likely benign (1 of 4 stars; one submission).

Allele frequency attached by ClinVar (database versions not stated): gnomAD exomes below 0.00001 and 0.00001; ExAC 0.00001; TOPMed 0.00001.
gnomAD v4.1: 2 of 1,200,823 alleles (0.00017%); highest among the groups gnomAD compares: Non-Finnish European, 0.00022%; no homozygotes.

Submission:

Laboratory for Molecular Medicine, Mass General Brigham Personalized Medicine
Classification: Likely benign. Last evaluated: 2012-11-08. Review status: criteria provided, single submitter. Criteria: LMM Criteria. Collection method: clinical testing. Allele origin: germline. Observed: 1 variant allele.
Comment: Ile390Ile in exon 9C of LAMP2: This variant is not expected to have clinical sig nificance because it does not alter an amino acid residue and is not located wit hin the splice consensus sequence. Ile390Ile in exon 9C of LAMP2 (allele frequ ency = n/a)

NM_002294.3(LAMP2):c.*2773A>C

Gene: LAMP2 (lysosomal associated membrane protein 2; minus strand). Cytogenetic location: Xq24.
Variant type: single nucleotide variant.
Coding change: c.*2773A>C on transcript NM_002294.3 (MANE Select); 2773 bases downstream of the stop codon, A replaced by C.
Molecular consequence: 3 prime UTR variant. On other transcripts: synonymous variant (1).
Genome position (GRCh38, 1-based): chrX:120,428,550, T>G on the plus strand (A>C on the coding strand, the complement: LAMP2 is on the minus strand). VCF-style: chrX-120428550-T-G. GRCh37 (hg19) VCF-style: chrX-119562405-T-G.
Other names: c.1170A>C, p.Ile390= (NM_001122606.1).
Identifiers: ClinVar variation 43957 (VCV000043957.4), dbSNP rs397516587, ClinGen allele CA133233.